The following is an entry in ClinVar:

NM_000532.5(PCCB):c.890G>A (p.Arg297His)

Gene: PCCB (propionyl-CoA carboxylase subunit beta; plus strand). Cytogenetic location: 3q22.3.
Variant type: single nucleotide variant.
Coding change: c.890G>A on transcript NM_000532.5 (MANE Select); coding-DNA position 890, G replaced by A.
Protein change: p.Arg297His; replaces arginine 297 with histidine.
Molecular consequence: missense variant.
Genome position (GRCh38, 1-based): chr3:136,301,035, G>A. VCF-style: chr3-136301035-G-A. GRCh37 (hg19) VCF-style: chr3-136019877-G-A.
Other names: c.950G>A, p.Arg317His (NM_001178014.2); short protein forms R297H, R317H.
Identifiers: ClinVar variation 203890 (VCV000203890.9), dbSNP rs147379583, ClinGen allele CA312835.

ClinVar aggregate classification (germline): Uncertain significance. Review status: criteria provided, multiple submitters, no conflicts (2 of 4 stars). 4 submissions from 4 submitters: Uncertain significance (3). 1 of the submissions does not count toward it. Last evaluated 2025-08-12.

Conditions:
Inborn genetic diseases. Identifiers: MedGen C0950123, MeSH D030342.
Propionic acidemia (PROP). Also called: GLYCINEMIA, KETOTIC; HYPERGLYCINEMIA WITH KETOACIDOSIS AND LEUKOPENIA; KETOTIC HYPERGLYCINEMIA. Identifiers: Orphanet 35, MedGen C0268579, MONDO:0011628, OMIM 606054, HP:0003571.

Allele frequency attached by ClinVar (database versions not stated): gnomAD 0.00003; TOPMed 0.00007; ESP Exome Variant Server 0.00008.
gnomAD v4.1: 44 of 1,613,794 alleles (0.0027%); highest among the groups gnomAD compares: South Asian, 0.013%; no homozygotes.

Submissions (4):

Ambry Genetics
Classification: Uncertain significance for Inborn genetic diseases. Last evaluated: 2025-08-12. Review status: criteria provided, single submitter. Criteria: Ambry Variant Classification Scheme 2023. Collection method: clinical testing. Allele origin: germline.

Labcorp Genetics (formerly Invitae), Labcorp
Classification: Uncertain significance for Propionic acidemia. Last evaluated: 2022-04-06. Review status: criteria provided, single submitter. Criteria: Invitae Variant Classification Sherloc (09022015). Collection method: clinical testing. Allele origin: germline.
Comment: This sequence change replaces arginine, which is basic and polar, with histidine, which is basic and polar, at codon 297 of the PCCB protein (p.Arg297His). This variant is present in population databases (rs147379583, gnomAD 0.02%). This variant has not been reported in the literature in individuals affected with PCCB-related conditions. ClinVar contains an entry for this variant (Variation ID: 203890). Advanced modeling of protein sequence and biophysical properties (such as structural, functional, and spatial information, amino acid conservation, physicochemical variation, residue mobility, and thermodynamic stability) performed at Invitae indicates that this missense variant is expected to disrupt PCCB protein function. In summary, the available evidence is currently insufficient to determine the role of this variant in disease. Therefore, it has been classified as a Variant of Uncertain Significance.

Revvity Omics, Revvity
Classification: Uncertain significance for Propionic acidemia. Last evaluated: 2020-12-22. Review status: criteria provided, single submitter. Criteria: ACMG Guidelines, 2015. Collection method: clinical testing. Allele origin: germline.

Counsyl
Classification: Uncertain significance for Propionic acidemia. Last evaluated: 2017-02-07. Review status: no assertion criteria provided. Collection method: clinical testing. Allele origin: unknown. Not counted in ClinVar's aggregate classification.